The following is an entry in ClinVar:

ClinVar aggregate classification (germline): Likely benign. Review status: criteria provided, multiple submitters, no conflicts (2 of 4 stars). 7 submissions from 7 submitters: Likely benign (6). 1 of the submissions does not count toward it. Last evaluated 2026-01-26.

Conditions:
FIG4-related disorder. Also called: FIG4-related condition; FIG4-related disorders.
Charcot-Marie-Tooth disease. Also called: Charcot-Marie-Tooth Neuropathy; Charcot-Marie-Tooth Hereditary Neuropathy. Identifiers: Orphanet 166, MedGen C0007959, MONDO:0015626.
Charcot-Marie-Tooth disease type 4. Also called: Charcot-Marie-Tooth disease, type IV; Charcot-Marie-Tooth, Type 4. Identifiers: Orphanet 64749, MedGen C4082197, MONDO:0018995.

Allele frequency attached by ClinVar (database versions not stated): gnomAD exomes 0.00005 and 0.00013; ExAC 0.00006; gnomAD 0.00008 and 0.00009; TOPMed 0.00008.
gnomAD v4.1: 171 of 1,456,798 alleles (0.012%); highest among the groups gnomAD compares: Non-Finnish European, 0.016%; no homozygotes.

Submissions (7):

Labcorp Genetics (formerly Invitae), Labcorp
Classification: Likely benign for Charcot-Marie-Tooth disease type 4. Last evaluated: 2026-01-26. Review status: criteria provided, single submitter. Criteria: Invitae Variant Classification Sherloc (09022015). Collection method: clinical testing. Allele origin: germline.

Women's Health and Genetics/Laboratory Corporation of America, LabCorp
Classification: Likely benign. Last evaluated: 2025-05-20. Review status: criteria provided, single submitter. Criteria: LabCorp Variant Classification Summary - May 2015. Collection method: clinical testing. Allele origin: germline.
Comment: Variant summary: FIG4 c.2459+7T>G alters a nucleotide located at a position not widely known to affect splicing. Consensus agreement among computation tools predict no significant impact on normal splicing. However, these predictions have yet to be confirmed by functional studies. The variant allele was found at a frequency of 5.2e-05 in 250460 control chromosomes (gnomAD). This frequency is not significantly higher than estimated for a pathogenic variant in FIG4 causing Charcot-Marie-Tooth disease type 4J (5.2e-05 vs 0.0011), allowing no conclusion about variant significance. To our knowledge, no occurrence of c.2459+7T>G in individuals affected with Charcot-Marie-Tooth disease type 4J and no experimental evidence demonstrating its impact on protein function have been reported. ClinVar contains an entry for this variant (Variation ID: 447335). Based on the evidence outlined above, the variant was classified as likely benign.

Blueprint Genetics
Classification: Likely benign. Last evaluated: 2023-05-08. Review status: criteria provided, single submitter. Criteria: ACMG Guidelines, 2015. Collection method: clinical testing. Allele origin: germline.

Athena Diagnostics
Classification: Likely benign. Last evaluated: 2019-04-26. Review status: criteria provided, single submitter. Criteria: Athena Diagnostics Criteria. Collection method: clinical testing. Allele origin: germline.

GeneDx
Classification: Likely benign. Last evaluated: 2017-02-24. Review status: criteria provided, single submitter. Criteria: GeneDx Variant Classification (06012015). Collection method: clinical testing. Allele origin: germline. Affected: yes.
Comment: This variant is considered likely benign or benign based on one or more of the following criteria: it is a conservative change, it occurs at a poorly conserved position in the protein, it is predicted to be benign by multiple in silico algorithms, and/or has population frequency not consistent with disease.

Molecular Genetics Laboratory, London Health Sciences Centre
Classification: Likely benign for Charcot-Marie-Tooth disease. Review status: criteria provided, single submitter. Criteria: ACMG Guidelines, 2015. Collection method: clinical testing. Allele origin: germline. Affected: yes.

PreventionGenetics, part of Exact Sciences
Classification: Likely benign for FIG4-related condition. Last evaluated: 2023-01-12. Review status: no assertion criteria provided. Collection method: clinical testing. Allele origin: germline. Not counted in ClinVar's aggregate classification.
Comment: This variant is classified as likely benign based on ACMG/AMP sequence variant interpretation guidelines (Richards et al. 2015 PMID: 25741868, with internal and published modifications).

NM_014845.6(FIG4):c.2459+7T>G

Gene: FIG4 (FIG4 phosphoinositide 5-phosphatase; plus strand). Cytogenetic location: 6q21.
Variant type: single nucleotide variant.
Coding change: c.2459+7T>G on transcript NM_014845.6 (MANE Select); 7 bases into the intron after coding-DNA position 2459, T replaced by G.
Molecular consequence: intron variant.
Genome position (GRCh38, 1-based): chr6:109,792,671, T>G. VCF-style: chr6-109792671-T-G. GRCh37 (hg19) VCF-style: chr6-110113874-T-G.
Identifiers: ClinVar variation 447335 (VCV000447335.17), dbSNP rs575271308, ClinGen allele CA3956401.
Genomic context (GRCh38, chr6:109,792,671, plus strand): 5'-TGGAATTAACCTCTCAGATGGCCTCTCAGAAGAAGATTTCTCCATTTATTCAAGGTGAGA[T>G]ACTTTCATGTAGATATTAAAGAAAAATGAATATTTATAATTACAGTAACTTCTAACTACT-3'